The following is an entry in ClinVar:

ClinVar aggregate classification (germline): Uncertain significance (1 of 4 stars; one submission).

Submission:

Labcorp Genetics (formerly Invitae), Labcorp
Classification: Uncertain significance. Last evaluated: 2024-11-18. Review status: criteria provided, single submitter. Criteria: Invitae Variant Classification Sherloc (09022015). Collection method: clinical testing. Allele origin: germline.
Comment: This sequence change replaces proline, which is neutral and non-polar, with serine, which is neutral and polar, at codon 641 of the MAGEL2 protein (p.Pro641Ser). This variant is present in population databases (no rsID available, gnomAD 0.001%). This variant has not been reported in the literature in individuals affected with MAGEL2-related conditions. Invitae Evidence Modeling of protein sequence and biophysical properties (such as structural, functional, and spatial information, amino acid conservation, physicochemical variation, residue mobility, and thermodynamic stability) indicates that this missense variant is not expected to disrupt MAGEL2 protein function with a negative predictive value of 80%. In summary, the available evidence is currently insufficient to determine the role of this variant in disease. Therefore, it has been classified as a Variant of Uncertain Significance.

NM_019066.5(MAGEL2):c.1921C>T (p.Pro641Ser)

Gene: MAGEL2 (MAGE family member L2; minus strand). Cytogenetic location: 15q11.2.
Variant type: single nucleotide variant.
Coding change: c.1921C>T on transcript NM_019066.5 (MANE Select); coding-DNA position 1921, C replaced by T.
Protein change: p.Pro641Ser; replaces proline 641 with serine.
Molecular consequence: missense variant.
Genome position (GRCh38, 1-based): chr15:23,645,822, G>A on the plus strand (C>T on the coding strand, the complement: MAGEL2 is on the minus strand). VCF-style: chr15-23645822-G-A. GRCh37 (hg19) VCF-style: chr15-23890969-G-A.
Other names: short protein forms P641S.
Identifiers: ClinVar variation 3672213 (VCV003672213.2).